The following is an entry in ClinVar:

ClinVar aggregate classification (germline): Likely pathogenic (1 of 4 stars; one submission).

Conditions:
Hereditary cancer-predisposing syndrome. Also called: Hereditary Cancer Syndrome; Hereditary neoplastic syndrome; Neoplastic Syndromes, Hereditary; Tumor predisposition. Identifiers: Orphanet 140162, MedGen C0027672, MeSH D009386, MONDO:0015356.

Submission:

Ambry Genetics
Classification: Likely pathogenic for Hereditary cancer-predisposing syndrome. Last evaluated: 2020-10-06. Review status: criteria provided, single submitter. Criteria: Ambry Variant Classification Scheme 2023. Collection method: clinical testing. Allele origin: germline.
Comment: The c.1376-21_1382del28 variant results from a deletion of 28 nucleotides between positions c.1376-21 and c.1382 and involves the canonical splice acceptor site before coding exon 12 of the CHEK2 gene. The canonical splice acceptor site is well conserved in available vertebrate species. In silico splice site analysis predicts that this alteration will weaken the native splice acceptor site and will result in the creation or strengthening of a novel splice acceptor site; however, direct evidence is pending additional RNA studies (Ambry internal data). Alterations that disrupt the canonical splice site are expected to cause aberrant splicing, resulting in an abnormal protein or a transcript that is subject to nonsense-mediated mRNA decay. As such, this alteration is classified as likely pathogenic.

NM_007194.4(CHEK2):c.1376-21_1382del

Gene: CHEK2 (checkpoint kinase 2; minus strand). Cytogenetic location: 22q12.1.
Variant type: Deletion.
Coding change: c.1376-21_1382del on transcript NM_007194.4 (MANE Select); 21 bases into the intron before coding-DNA position 1376 through coding-DNA position 1382, 28 bases deleted (TTTGCCCAATTGTTGCTTTAGCTCTGGA).
Molecular consequence: splice acceptor variant.
Genome position (GRCh38, 1-based): chr22:28,694,111-28,694,138, TCCAGAGCTAAAGCAACAATTGGGCAAA deleted on the plus strand (TTTGCCCAATTGTTGCTTTAGCTCTGGA on the coding strand, the reverse complement: CHEK2 is on the minus strand); deleting any 28 consecutive bases within chr22:28,694,111-28,694,140 gives the same sequence; the c. name uses the placement nearest the transcript's 3' end. VCF-style (leftmost placement, unchanged base first): chr22-28694110-GTCCAGAGCTAAAGCAACAATTGGGCAAA-G. GRCh37 (hg19) VCF-style: chr22-29090098-GTCCAGAGCTAAAGCAACAATTGGGCAAA-G.
Other names: c.713-21_719del (NM_001437942.1, NM_001257387.3); c.1175-21_1181del (NM_001349956.3); c.1289-21_1295del (NM_145862.3); c.1382-21_1388del (NM_001438295.1); c.1469-21_1475del (NM_001438293.1); c.1418-21_1424del (NM_001438294.1); c.1505-21_1511del (NM_001005735.3).
Identifiers: ClinVar variation 1771153 (VCV001771153.2), dbSNP rs2517788605, ClinGen allele CA2580099388.
Genomic context (GRCh38, chr22:28,694,110, plus strand): 5'-TAAGGCTTCTTCTGTCGTAAAACGTGCCTTTGGATCCACTACCAACAACTTCTTGACAAG[GTCCAGAGCTAAAGCAACAATTGGGCAAA>G]TCACAGTGAAAAGGATAAATATATTATCAGTAAGAGTATGCCAGAATTAACAGGCCACCA-3'